The following is an entry in ClinVar:

ClinVar aggregate classification (germline): Likely pathogenic (1 of 4 stars; one submission).

Conditions:
Radio-Tartaglia syndrome. Identifiers: Orphanet 662234, MedGen C5543339, MONDO:0859143, OMIM 619312.

Submission:

Greenwood Genetic Center Diagnostic Laboratories, Greenwood Genetic Center
Classification: Likely pathogenic for Radio-Tartaglia syndrome. Last evaluated: 2023-04-21. Review status: criteria provided, single submitter. Criteria: ACMG Guidelines, 2015. Collection method: clinical testing. Allele origin: germline. Affected: yes.
Comment: PVS1, PM2

NM_015001.3(SPEN):c.1945del (p.Asp649fs)

Gene: SPEN (spen family transcriptional repressor; plus strand). Cytogenetic location: 1p36.13.
Variant type: Deletion.
Coding change: c.1945del on transcript NM_015001.3 (MANE Select); coding-DNA position 1945, one base deleted (G; older notation c.1945delG).
Protein change: p.Asp649fs; shifts the reading frame from aspartic acid 649.
Molecular consequence: frameshift variant.
Genome position (GRCh38, 1-based): chr1:15,928,185, G deleted; the last of 3 consecutive G bases (chr1:15,928,183-15,928,185); deleting any one gives the same sequence. VCF-style (leftmost placement, unchanged base first): chr1-15928182-CG-C. GRCh37 (hg19) VCF-style: chr1-16254677-CG-C.
Other names: short protein forms D649fs.
Identifiers: ClinVar variation 2572358 (VCV002572358.1), dbSNP rs2523072429, ClinGen allele CA2580612918.